The following is an entry in ClinVar:

ClinVar aggregate classification (germline): Uncertain significance (1 of 4 stars; one submission).

Allele frequency attached by ClinVar (database versions not stated): gnomAD exomes below 0.00001.
gnomAD v4.1: 2 of 1,614,224 alleles (0.00012%); highest among the groups gnomAD compares: Non-Finnish European, 0.00017%; no homozygotes.

Submission:

Labcorp Genetics (formerly Invitae), Labcorp
Classification: Uncertain significance. Last evaluated: 2024-02-23. Review status: criteria provided, single submitter. Criteria: Invitae Variant Classification Sherloc (09022015). Collection method: clinical testing. Allele origin: germline.
Comment: This sequence change replaces leucine, which is neutral and non-polar, with proline, which is neutral and non-polar, at codon 1817 of the HTT protein (p.Leu1817Pro). This variant is not present in population databases (gnomAD no frequency). This variant has not been reported in the literature in individuals affected with HTT-related conditions. ClinVar contains an entry for this variant (Variation ID: 1367229). Experimental studies and prediction algorithms are not available or were not evaluated, and the functional significance of this variant is currently unknown. In summary, the available evidence is currently insufficient to determine the role of this variant in disease. Therefore, it has been classified as a Variant of Uncertain Significance.

NM_001388492.1(HTT):c.5444T>C (p.Leu1815Pro)

Gene: HTT (huntingtin; plus strand). Cytogenetic location: 4p16.3.
Variant type: single nucleotide variant.
Coding change: c.5444T>C on transcript NM_001388492.1 (MANE Select); coding-DNA position 5444, T replaced by C.
Protein change: p.Leu1815Pro; replaces leucine 1815 with proline.
Molecular consequence: missense variant.
Genome position (GRCh38, 1-based): chr4:3,199,807, T>C. VCF-style: chr4-3199807-T-C. GRCh37 (hg19) VCF-style: chr4-3201534-T-C.
Other names: c.5450T>C, p.Leu1817Pro (NM_002111.8); short protein forms L1815P, L1817P.
Identifiers: ClinVar variation 1367229 (VCV001367229.6), dbSNP rs2110262117, ClinGen allele CA356077108.